The following is an entry in ClinVar:

NM_000404.4(GLB1):c.40G>C (p.Val14Leu)

Genes: GLB1 (galactosidase beta 1; minus strand), TMPPE (transmembrane protein with metallophosphoesterase domain; minus strand), LOC129936434 (ATAC-STARR-seq lymphoblastoid silent region 14182; plus strand). Cytogenetic location: 3p22.3.
Variant type: single nucleotide variant.
Coding change: c.40G>C on transcript NM_000404.4 (MANE Select); coding-DNA position 40, G replaced by C.
Protein change: p.Val14Leu; replaces valine 14 with leucine.
Molecular consequence: missense variant. On other transcripts: 5 prime UTR variant (2).
Genome position (GRCh38, 1-based): chr3:33,097,046, C>G on the plus strand (G>C on the coding strand, the complement: GLB1 is on the minus strand). VCF-style: chr3-33097046-C-G. GRCh37 (hg19) VCF-style: chr3-33138538-C-G.
Other names: p.Val14Leu; c.40G>C, p.Val14Leu (NM_001135602.3, NM_001317040.2, NM_001393580.1); c.-436G>C (NM_001039770.3); c.-332G>C (NM_001136238.2); c.40G>C (NM_000404.2); short protein forms V14L.
Identifiers: ClinVar variation 1496444 (VCV001496444.5), dbSNP rs376500233, ClinGen allele CA2300132.

ClinVar aggregate classification (germline): Uncertain significance. Review status: criteria provided, multiple submitters, no conflicts (2 of 4 stars). 3 submissions from 3 submitters: Uncertain significance (3). Last evaluated 2025-08-03.

Conditions:
GM1 gangliosidosis. Identifiers: Orphanet 354, MedGen C0085131, MONDO:0018149.
Mucopolysaccharidosis, MPS-IV-B (MPS4B). Also called: MORQUIO SYNDROME B; Mucopolysaccharidosis Type IVB (Morquio B Disease); Mucopolysaccharidosis type 4B; Mucopolysaccharidosis type IVB (Morquio); MPS IVB; Mucopolysaccharidosis type IV B. Identifiers: Orphanet 309310, Orphanet 582, MedGen C0086652, MONDO:0009660, OMIM 253010.
Inborn genetic diseases. Identifiers: MedGen C0950123, MeSH D030342.

Allele frequency attached by ClinVar (database versions not stated): gnomAD exomes 0.00002; ExAC 0.00003; ESP Exome Variant Server 0.00008; gnomAD 0.00014 and 0.00015; 1000 Genomes Project 30x 0.00016; TOPMed 0.00018; 1000 Genomes Project 0.00020.
gnomAD v4.1: 38 of 1,612,110 alleles (0.0024%); highest among the groups gnomAD compares: African/African-American, 0.036%; no homozygotes.

Submissions (3):

Ambry Genetics
Classification: Uncertain significance for Inborn genetic diseases. Last evaluated: 2025-08-03. Review status: criteria provided, single submitter. Criteria: Ambry Variant Classification Scheme 2023. Collection method: clinical testing. Allele origin: germline.

Mayo Clinic Laboratories, Mayo Clinic
Classification: Uncertain significance. Last evaluated: 2024-05-09. Review status: criteria provided, single submitter. Criteria: ACMG Guidelines, 2015. Collection method: clinical testing. Allele origin: germline. Observed: 1 variant allele.
Comment: PM2

Labcorp Genetics (formerly Invitae), Labcorp
Classification: Uncertain significance for Mucopolysaccharidosis, MPS-IV-B; GM1 gangliosidosis. Last evaluated: 2022-09-07. Review status: criteria provided, single submitter. Criteria: Invitae Variant Classification Sherloc (09022015). Collection method: clinical testing. Allele origin: germline.
Comment: This sequence change replaces valine, which is neutral and non-polar, with leucine, which is neutral and non-polar, at codon 14 of the GLB1 protein (p.Val14Leu). This variant is present in population databases (rs376500233, gnomAD 0.04%). This variant has not been reported in the literature in individuals affected with GLB1-related conditions. ClinVar contains an entry for this variant (Variation ID: 1496444). Advanced modeling of protein sequence and biophysical properties (such as structural, functional, and spatial information, amino acid conservation, physicochemical variation, residue mobility, and thermodynamic stability) performed at Invitae indicates that this missense variant is not expected to disrupt GLB1 protein function. In summary, the available evidence is currently insufficient to determine the role of this variant in disease. Therefore, it has been classified as a Variant of Uncertain Significance.